The following is an entry in ClinVar:

NM_006031.6(PCNT):c.5872C>G (p.His1958Asp)

Gene: PCNT (pericentrin; plus strand). Cytogenetic location: 21q22.3.
Variant type: single nucleotide variant.
Coding change: c.5872C>G on transcript NM_006031.6 (MANE Select); coding-DNA position 5872, C replaced by G.
Protein change: p.His1958Asp; replaces histidine 1958 with aspartic acid.
Molecular consequence: missense variant.
Genome position (GRCh38, 1-based): chr21:46,411,945, C>G. VCF-style: chr21-46411945-C-G. GRCh37 (hg19) VCF-style: chr21-47831859-C-G.
Other names: c.5518C>G, p.His1840Asp (NM_001315529.2); short protein forms H1958D, H1840D.
Identifiers: ClinVar variation 502491 (VCV000502491.24), dbSNP rs189308172, ClinGen allele CA10080106.

ClinVar aggregate classification (germline): Likely benign. Review status: criteria provided, multiple submitters, no conflicts (2 of 4 stars). 5 submissions from 5 submitters: Likely benign (4). 1 of the submissions does not count toward it. Last evaluated 2026-01-09.

Conditions:
PCNT-related disorder. Also called: PCNT-related condition.
Microcephalic osteodysplastic primordial dwarfism type II (MOPD2). Also called: MOPD II; OSTEODYSPLASTIC PRIMORDIAL DWARFISM, TYPE II; Microcephalic osteodysplastic primordial dwarfism with tooth abnormalities. Identifiers: Orphanet 2637, MedGen C0432246, MONDO:0008872, OMIM 210720.

Allele frequency attached by ClinVar (database versions not stated): gnomAD exomes 0.00012 and 0.00038; ExAC 0.00046; 1000 Genomes Project 30x 0.00109; 1000 Genomes Project 0.00120; gnomAD 0.00151 and 0.00163; ESP Exome Variant Server 0.00155; TOPMed 0.00169.
gnomAD v4.1: 412 of 1,596,868 alleles (0.026%); highest among the groups gnomAD compares: African/African-American, 0.48%; 3 homozygotes.

Submissions (5):

Labcorp Genetics (formerly Invitae), Labcorp
Classification: Likely benign. Last evaluated: 2026-01-09. Review status: criteria provided, single submitter. Criteria: Invitae Variant Classification Sherloc (09022015). Collection method: clinical testing. Allele origin: germline.

ARUP Laboratories, Molecular Genetics and Genomics, ARUP Laboratories
Classification: Likely benign for Microcephalic osteodysplastic primordial dwarfism type II. Last evaluated: 2020-01-16. Review status: criteria provided, single submitter. Criteria: ARUP Molecular Germline Variant Investigation Process. Collection method: clinical testing. Allele origin: germline.

Genetic Services Laboratory, University of Chicago
Classification: Likely benign. Last evaluated: 2019-07-03. Review status: criteria provided, single submitter. Criteria: ACMG Guidelines, 2015. Collection method: clinical testing. Allele origin: germline. Affected: no.

Eurofins Ntd Llc (ga)
Classification: Likely benign. Last evaluated: 2017-06-20. Review status: criteria provided, single submitter. Criteria: EGL Classification Definitions 2015. Collection method: clinical testing. Allele origin: germline. Observed: 1 variant allele, 1 heterozygote.

PreventionGenetics, part of Exact Sciences
Classification: Likely benign for PCNT-related condition. Last evaluated: 2020-01-02. Review status: no assertion criteria provided. Collection method: clinical testing. Allele origin: germline. Not counted in ClinVar's aggregate classification.
Comment: This variant is classified as likely benign based on ACMG/AMP sequence variant interpretation guidelines (Richards et al. 2015 PMID: 25741868, with internal and published modifications).